The following is an entry in ClinVar:

NM_000143.4(FH):c.776T>A (p.Met259Lys)

Gene: FH (fumarate hydratase; minus strand). Cytogenetic location: 1q43.
Variant type: single nucleotide variant.
Coding change: c.776T>A on transcript NM_000143.4 (MANE Select); coding-DNA position 776, T replaced by A.
Protein change: p.Met259Lys; replaces methionine 259 with lysine.
Molecular consequence: missense variant.
Genome position (GRCh38, 1-based): chr1:241,506,131, A>T on the plus strand (T>A on the coding strand, the complement: FH is on the minus strand). VCF-style: chr1-241506131-A-T. GRCh37 (hg19) VCF-style: chr1-241669431-A-T.
Other names: short protein forms M259K.
Identifiers: ClinVar variation 643008 (VCV000643008.1), dbSNP rs1407485828, ClinGen allele CA345439044.

ClinVar aggregate classification (germline): Uncertain significance (1 of 4 stars; one submission).

Conditions:
Fumarase deficiency (FMRD). Also called: Fumaric aciduria; Fumarate Hydratase Deficiency. Identifiers: Orphanet 24, MedGen C0342770, MONDO:0011730, OMIM 606812.

Submission:

Labcorp Genetics (formerly Invitae), Labcorp
Classification: Uncertain significance for Fumarase deficiency. Last evaluated: 2018-08-15. Review status: criteria provided, single submitter. Criteria: Invitae Variant Classification Sherloc (09022015). Collection method: clinical testing. Allele origin: germline.
Comment: This sequence change replaces methionine with lysine at codon 259 of the FH protein (p.Met259Lys). The methionine residue is weakly conserved and there is a moderate physicochemical difference between methionine and lysine. This variant is not present in population databases (ExAC no frequency). This variant has not been reported in the literature in individuals with FH-related disease. Algorithms developed to predict the effect of missense changes on protein structure and function are either unavailable or do not agree on the potential impact of this missense change (SIFT: "Deleterious"; PolyPhen-2: "Benign"; Align-GVGD: "Class C0"). In summary, the available evidence is currently insufficient to determine the role of this variant in disease. Therefore, it has been classified as a Variant of Uncertain Significance.